The following is an entry in ClinVar:

ClinVar aggregate classification (germline): Likely pathogenic (1 of 4 stars; one submission).

Submission:

GeneDx
Classification: Likely pathogenic. Last evaluated: 2018-07-03. Review status: criteria provided, single submitter. Criteria: GeneDx Variant Classification (06012015). Collection method: clinical testing. Allele origin: germline. Affected: yes.
Comment: The A289G variant in the UBE3A gene has not been reported previously as a pathogenic variant, nor as a benign variant, to our knowledge. However, a missense variant at the same residue (A289V) has been identified as apparently de novo in a patient previously tested at GeneDx, supporting the functional importance of this region of the protein. The A289G variant is not observed in large population cohorts (Lek et al., 2016). In-silico analyses, including protein predictors and evolutionary conservation, support a deleterious effect. However, the A289G variant is a conservative amino acid substitution, which is not likely to impact secondary protein structure as these residues share similar properties. We interpret A289G as a likely pathogenic variant.

NM_130839.5(UBE3A):c.926C>G (p.Ala309Gly)

Genes: SNHG14 (small nucleolar RNA host gene 14; plus strand), UBE3A (ubiquitin protein ligase E3A; minus strand). Cytogenetic location: 15q11.2.
Variant type: single nucleotide variant.
Coding change: c.926C>G on transcript NM_130839.5 (MANE Select); coding-DNA position 926, C replaced by G.
Protein change: p.Ala309Gly; replaces alanine 309 with glycine.
Molecular consequence: missense variant. On other transcripts: non-coding transcript variant (1), intron variant (2).
Genome position (GRCh38, 1-based): chr15:25,371,248, G>C on the plus strand (C>G on the coding strand, the complement: UBE3A is on the minus strand). VCF-style: chr15-25371248-G-C. GRCh37 (hg19) VCF-style: chr15-25616395-G-C.
Other names: c.935C>G, p.Ala312Gly (NM_000462.5); c.926C>G, p.Ala309Gly (NM_001354505.1, NM_001354538.2, NM_001354545.2); c.866C>G, p.Ala289Gly (NM_001354506.2, NM_001354507.2, NM_001354508.2 and 17 more transcripts); c.749C>G, p.Ala250Gly (NM_001354546.2); c.301+4217C>G (NM_001354551.2); c.361+4217C>G (NM_001354550.2); short protein forms A289G, A312G, A309G, A250G.
Identifiers: ClinVar variation 392477 (VCV000392477.2), dbSNP rs1057524508, ClinGen allele CA16606644.